The following is an entry in ClinVar:

NM_001193315.2(VIPAS39):c.732C>G (p.Phe244Leu)

Gene: VIPAS39 (VPS33B interacting protein, apical-basolateral polarity regulator, spe-39 homolog; minus strand). Cytogenetic location: 14q24.3.
Variant type: single nucleotide variant.
Coding change: c.732C>G on transcript NM_001193315.2 (MANE Select); coding-DNA position 732, C replaced by G.
Protein change: p.Phe244Leu; replaces phenylalanine 244 with leucine.
Molecular consequence: missense variant. On other transcripts: non-coding transcript variant (1).
Genome position (GRCh38, 1-based): chr14:77,442,562, G>C on the plus strand (C>G on the coding strand, the complement: VIPAS39 is on the minus strand). VCF-style: chr14-77442562-G-C. GRCh37 (hg19) VCF-style: chr14-77908905-G-C.
Other names: c.732C>G (NM_022067.3); c.732C>G, p.Phe244Leu (NM_001400331.1, NM_001400332.1, NM_001400335.1 and 8 more transcripts); c.639C>G, p.Phe213Leu (NM_001400333.1, NM_001400334.1); c.492C>G, p.Phe164Leu (NM_001400337.1); c.585C>G, p.Phe195Leu (NM_001193316.2, NM_001400324.1, NM_001400325.1); c.699C>G, p.Phe233Leu (NM_001400327.1); short protein forms F195L, F233L, F164L, F213L, F244L.
Identifiers: ClinVar variation 4198814 (VCV004198814.2).

ClinVar aggregate classification (germline): Uncertain significance. Review status: criteria provided, multiple submitters, no conflicts (2 of 4 stars). 2 submissions from 2 submitters: Uncertain significance (2). Last evaluated 2025-06-29.

Conditions:
VIPAS39-related disorder. Also called: VIPAS39-related condition.
Inborn genetic diseases. Identifiers: MedGen C0950123, MeSH D030342.

gnomAD v4.1: 4 of 1,613,202 alleles (0.00025%); highest among the groups gnomAD compares: Admixed American, 0.0067%; no homozygotes.

Submissions (2):

Ambry Genetics
Classification: Uncertain significance for Inborn genetic diseases. Last evaluated: 2025-06-29. Review status: criteria provided, single submitter. Criteria: Ambry Variant Classification Scheme 2023. Collection method: clinical testing. Allele origin: germline.

PreventionGenetics, part of Exact Sciences
Classification: Uncertain significance for VIPAS39-related condition. Last evaluated: 2025-06-02. Review status: criteria provided, single submitter. Criteria: ACMG Guidelines, 2015. Collection method: clinical testing. Allele origin: germline.
Comment: The VIPAS39 c.732C>G variant is predicted to result in the amino acid substitution p.Phe244Leu. To our knowledge, this variant has not been reported in the literature. This variant is reported in 0.012% of alleles in individuals of Latino descent in gnomAD. At this time, the clinical significance of this variant is uncertain due to the absence of conclusive functional and genetic evidence.